The following is an entry in ClinVar:

NM_014844.5(TECPR2):c.3230A>C (p.Gln1077Pro)

Gene: TECPR2 (tectonin beta-propeller repeat containing 2; plus strand). Cytogenetic location: 14q32.31.
Variant type: single nucleotide variant.
Coding change: c.3230A>C on transcript NM_014844.5 (MANE Select); coding-DNA position 3230, A replaced by C.
Protein change: p.Gln1077Pro; replaces glutamine 1077 with proline.
Molecular consequence: missense variant.
Genome position (GRCh38, 1-based): chr14:102,449,783, A>C. VCF-style: chr14-102449783-A-C. GRCh37 (hg19) VCF-style: chr14-102916120-A-C.
Other names: c.3230A>C, p.Gln1077Pro (NM_001172631.3); short protein forms Q1077P.
Identifiers: ClinVar variation 2069147 (VCV002069147.4), dbSNP rs2504453360, ClinGen allele CA391068209.
Genomic context (GRCh38, chr14:102,449,783, plus strand): 5'-CCGTAGAAAAGGTGGCAGATAAGCTGCGCATGGCGTTTTGGTCCCAGCAGCTTCAGTGCC[A>C]GCCAAGCCTTCTCGGGGTCAATAACAGCGGTGTCTGGATCTCCTCGGGCAAGAATGAATT-3'
Protein context (NP_055659.2, residues 1067-1087): MAFWSQQLQC[Gln1077Pro]PSLLGVNNSG

ClinVar aggregate classification (germline): Uncertain significance (1 of 4 stars; one submission).

Conditions:
Hereditary spastic paraplegia 49 (HSAN9). Also called: TECPR2-Related Hereditary Sensory and Autonomic Neuropathy with Intellectual Disability; NEUROPATHY, HEREDITARY SENSORY AND AUTONOMIC, TYPE IX, WITH DEVELOPMENTAL DELAY; Spastic paraplegia 49, autosomal recessive. Identifiers: Orphanet 320385, MedGen C5190860, MONDO:0014016, OMIM 615031.

Allele frequency attached by ClinVar (database versions not stated): gnomAD exomes below 0.00001.
gnomAD v4.1: 1 of 1,614,144 alleles (0.000062%); highest among the groups gnomAD compares: Non-Finnish European, 0.000085%; no homozygotes.

Submission:

Labcorp Genetics (formerly Invitae), Labcorp
Classification: Uncertain significance for Hereditary spastic paraplegia 49. Last evaluated: 2023-11-27. Review status: criteria provided, single submitter. Criteria: Invitae Variant Classification Sherloc (09022015). Collection method: clinical testing. Allele origin: germline.
Comment: This sequence change replaces glutamine, which is neutral and polar, with proline, which is neutral and non-polar, at codon 1077 of the TECPR2 protein (p.Gln1077Pro). This variant is not present in population databases (gnomAD no frequency). This variant has not been reported in the literature in individuals affected with TECPR2-related conditions. ClinVar contains an entry for this variant (Variation ID: 2069147). An algorithm developed to predict the effect of missense changes on protein structure and function (PolyPhen-2) suggests that this variant is likely to be tolerated. In summary, the available evidence is currently insufficient to determine the role of this variant in disease. Therefore, it has been classified as a Variant of Uncertain Significance.